The following is an entry in ClinVar:

ClinVar aggregate classification (germline): Uncertain significance (1 of 4 stars; one submission).

Conditions:
RASopathy. Also called: rasopathies; Noonan spectrum disorder. Identifiers: Orphanet 536391, MedGen C5555857, MONDO:0021060.

gnomAD v4.1: 1 of 1,614,028 alleles (0.000062%); no homozygotes.

Submission:

Labcorp Genetics (formerly Invitae), Labcorp
Classification: Uncertain significance for RASopathy. Last evaluated: 2024-03-25. Review status: criteria provided, single submitter. Criteria: Invitae Variant Classification Sherloc (09022015). Collection method: clinical testing. Allele origin: germline.
Comment: This sequence change replaces proline, which is neutral and non-polar, with serine, which is neutral and polar, at codon 422 of the BRAF protein (p.Pro422Ser). This variant is present in population databases (no rsID available, gnomAD no frequency). This variant has not been reported in the literature in individuals affected with BRAF-related conditions. Advanced modeling of protein sequence and biophysical properties (such as structural, functional, and spatial information, amino acid conservation, physicochemical variation, residue mobility, and thermodynamic stability) performed at Invitae indicates that this missense variant is not expected to disrupt BRAF protein function with a negative predictive value of 80%. In summary, the available evidence is currently insufficient to determine the role of this variant in disease. Therefore, it has been classified as a Variant of Uncertain Significance.

NM_004333.6(BRAF):c.1264C>T (p.Pro422Ser)

Gene: BRAF (B-Raf proto-oncogene, serine/threonine kinase; minus strand). Cytogenetic location: 7q34.
Variant type: single nucleotide variant.
Coding change: c.1264C>T on transcript NM_004333.6 (MANE Select); coding-DNA position 1264, C replaced by T.
Protein change: p.Pro422Ser; replaces proline 422 with serine.
Molecular consequence: missense variant.
Genome position (GRCh38, 1-based): chr7:140,783,071, G>A on the plus strand (C>T on the coding strand, the complement: BRAF is on the minus strand). VCF-style: chr7-140783071-G-A. GRCh37 (hg19) VCF-style: chr7-140482871-G-A.
Other names: c.1264C>T, p.Pro422Ser (NM_001378468.1, NM_001378474.1, NM_001354609.2); c.1198C>T, p.Pro400Ser (NM_001378469.1); c.1162C>T, p.Pro388Ser (NM_001378470.1); c.1153C>T, p.Pro385Ser (NM_001378471.1); c.1108C>T, p.Pro370Ser (NM_001378472.1, NM_001378473.1); c.1000C>T, p.Pro334Ser (NM_001378475.1); c.1384C>T, p.Pro462Ser (NM_001374244.1, NM_001374258.1); c.1273C>T, p.Pro425Ser (NM_001378467.1); short protein forms P385S, P425S, P334S, P370S, P388S, P400S, P422S, P462S.
Identifiers: ClinVar variation 3014457 (VCV003014457.3), dbSNP rs1381121699, ClinGen allele CA369589392.